The following is an entry in ClinVar:

NM_005228.5(EGFR):c.46G>A (p.Ala16Thr)

Gene: EGFR (epidermal growth factor receptor; plus strand). Cytogenetic location: 7p11.2.
Variant type: single nucleotide variant.
Coding change: c.46G>A on transcript NM_005228.5 (MANE Select); coding-DNA position 46, G replaced by A.
Protein change: p.Ala16Thr; replaces alanine 16 with threonine.
Molecular consequence: missense variant.
Genome position (GRCh38, 1-based): chr7:55,019,323, G>A. VCF-style: chr7-55019323-G-A. GRCh37 (hg19) VCF-style: chr7-55087016-G-A.
Other names: c.46G>A, p.Ala16Thr (NM_001346897.2, NM_001346898.2, NM_001346899.2 and 4 more transcripts); short protein forms A16T.
Identifiers: ClinVar variation 4638545 (VCV004638545.1).

ClinVar aggregate classification (germline): Uncertain significance (1 of 4 stars; one submission).

Conditions:
Hereditary cancer-predisposing syndrome. Also called: Neoplastic Syndromes, Hereditary; Tumor predisposition; Hereditary Cancer Syndrome; Hereditary neoplastic syndrome. Identifiers: Orphanet 140162, MedGen C0027672, MeSH D009386, MONDO:0015356.

gnomAD v4.1: 2 of 1,522,450 alleles (0.00013%); highest among the groups gnomAD compares: Non-Finnish European, 0.00018%; no homozygotes.

Submission:

Ambry Genetics
Classification: Uncertain significance for Hereditary cancer-predisposing syndrome. Last evaluated: 2025-09-26. Review status: criteria provided, single submitter. Criteria: Ambry Variant Classification Scheme 2023. Collection method: clinical testing. Allele origin: germline.
Comment: The p.A16T variant (also known as c.46G>A), located in coding exon 1 of the EGFR gene, results from a G to A substitution at nucleotide position 46. The alanine at codon 16 is replaced by threonine, an amino acid with similar properties. This amino acid position is conserved. In addition, this alteration is predicted to be tolerated by in silico analysis. Based on the available evidence, the clinical significance of this variant remains unclear.